The following is an entry in ClinVar:

ClinVar aggregate classification (germline): Uncertain significance (1 of 4 stars; one submission).

Submission:

Labcorp Genetics (formerly Invitae), Labcorp
Classification: Uncertain significance. Last evaluated: 2023-07-04. Review status: criteria provided, single submitter. Criteria: Invitae Variant Classification Sherloc (09022015). Collection method: clinical testing. Allele origin: germline.
Comment: This variant is not present in population databases (gnomAD no frequency). In summary, the available evidence is currently insufficient to determine the role of this variant in disease. Therefore, it has been classified as a Variant of Uncertain Significance. Algorithms developed to predict the effect of missense changes on protein structure and function output the following: SIFT: "Not Available"; PolyPhen-2: "Benign"; Align-GVGD: "Not Available". The threonine amino acid residue is found in multiple mammalian species, which suggests that this missense change does not adversely affect protein function. This variant has not been reported in the literature in individuals affected with SLC10A2-related conditions. This sequence change replaces alanine, which is neutral and non-polar, with threonine, which is neutral and polar, at codon 339 of the SLC10A2 protein (p.Ala339Thr).

NM_000452.3(SLC10A2):c.1015G>A (p.Ala339Thr)

Gene: SLC10A2 (solute carrier family 10 member 2; minus strand). Cytogenetic location: 13q33.1.
Variant type: single nucleotide variant.
Coding change: c.1015G>A on transcript NM_000452.3 (MANE Select); coding-DNA position 1015, G replaced by A.
Protein change: p.Ala339Thr; replaces alanine 339 with threonine.
Molecular consequence: missense variant.
Genome position (GRCh38, 1-based): chr13:103,046,165, C>T on the plus strand (G>A on the coding strand, the complement: SLC10A2 is on the minus strand). VCF-style: chr13-103046165-C-T. GRCh37 (hg19) VCF-style: chr13-103698515-C-T.
Other names: short protein forms A339T.
Identifiers: ClinVar variation 2722027 (VCV002722027.3), dbSNP rs1263251245, ClinGen allele CA388604894.
Genomic context (GRCh38, chr13:103,046,165, plus strand): 5'-GAACTCGTCTGTTTTGTCCACTTGATGTCTACTTTTCGTCAGGTTGAAATCCTCCATTTG[C>T]CTTATAAAACGATGACTCTGGCTCCGTTCCATTTTCTTTGCTCTCTGGAATTTCTGCCTT-3'
Protein context (NP_000443.2, residues 329-348): GTEPESSFYK[Ala339Thr]NGGFQPDEK